The following is an entry in ClinVar:

NM_004629.2(FANCG):c.281A>G (p.Gln94Arg)

Gene: FANCG (FA complementation group G; minus strand). Cytogenetic location: 9p13.3.
Variant type: single nucleotide variant.
Coding change: c.281A>G on transcript NM_004629.2 (MANE Select); coding-DNA position 281, A replaced by G.
Protein change: p.Gln94Arg; replaces glutamine 94 with arginine.
Molecular consequence: missense variant.
Genome position (GRCh38, 1-based): chr9:35,078,631, T>C on the plus strand (A>G on the coding strand, the complement: FANCG is on the minus strand). VCF-style: chr9-35078631-T-C. GRCh37 (hg19) VCF-style: chr9-35078628-T-C.
Other names: short protein forms Q94R.
Identifiers: ClinVar variation 4254433 (VCV004254433.1).
Genomic context (GRCh38, chr9:35,078,631, plus strand): 5'-GGCAGGGGAATCAGGGACAATCTCTGGCCCTCACCTCTCTCTAGGCTCCGCTGGATATCC[T>C]GGGCCTGATCCTCTGTGAAACCCTGGGCCAAGCTTGCCCTCAGGATAATGAAGTTGCAGG-3'
Protein context (NP_004620.1, residues 84-104): LAQGFTEDQA[Gln94Arg]DIQRSLERVL

ClinVar aggregate classification (germline): Uncertain significance (1 of 4 stars; one submission).

Conditions:
Inborn genetic diseases. Identifiers: MedGen C0950123, MeSH D030342.

Submission:

Ambry Genetics
Classification: Uncertain significance for Inborn genetic diseases. Last evaluated: 2025-06-29. Review status: criteria provided, single submitter. Criteria: Ambry Variant Classification Scheme 2023. Collection method: clinical testing. Allele origin: germline.
Comment: The p.Q94R variant (also known as c.281A>G), located in coding exon 3 of the FANCG gene, results from an A to G substitution at nucleotide position 281. The glutamine at codon 94 is replaced by arginine, an amino acid with highly similar properties. This amino acid position is conserved. In addition, this alteration is predicted to be tolerated by in silico analysis. Based on the available evidence, the clinical significance of this variant remains unclear.